The following is an entry in ClinVar:

NM_001367624.2(ZNF469):c.5101G>A (p.Gly1701Arg)

Gene: ZNF469 (zinc finger protein 469; plus strand). Cytogenetic location: 16q24.2.
Variant type: single nucleotide variant.
Coding change: c.5101G>A on transcript NM_001367624.2 (MANE Select); coding-DNA position 5101, G replaced by A.
Protein change: p.Gly1701Arg; replaces glycine 1701 with arginine.
Molecular consequence: missense variant.
Genome position (GRCh38, 1-based): chr16:88,432,571, G>A. VCF-style: chr16-88432571-G-A. GRCh37 (hg19) VCF-style: chr16-88498979-G-A.
Other names: NM_001127464.1:c.5017G>A; short protein forms G1701R.
Identifiers: ClinVar variation 1744791 (VCV001744791.3), dbSNP rs777781528, ClinGen allele CA8225042.

ClinVar aggregate classification (germline): Conflicting classifications of pathogenicity. Review status: criteria provided, conflicting classifications (1 of 4 stars). 2 submissions from 2 submitters: Uncertain significance (1); Likely benign (1). Last evaluated 2024-05-29.

Conditions:
Cardiovascular phenotype. Identifiers: MedGen CN230736.

Allele frequency attached by ClinVar (database versions not stated): gnomAD 0.00002; gnomAD exomes 0.00002; TOPMed 0.00002; ExAC 0.00005.
gnomAD v4.1: 35 of 1,550,306 alleles (0.0023%); highest among the groups gnomAD compares: Admixed American, 0.0078%; no homozygotes.

Submissions (2):

GeneDx
Classification: Uncertain significance. Last evaluated: 2024-05-29. Review status: criteria provided, single submitter. Criteria: GeneDx Variant Classification Process June 2021. Collection method: clinical testing. Allele origin: germline. Affected: yes.
Comment: Has not been previously published as pathogenic or benign to our knowledge; Not observed at significant frequency in large population cohorts (gnomAD); In silico analysis indicates that this missense variant does not alter protein structure/function

Ambry Genetics
Classification: Likely benign for Cardiovascular phenotype. Last evaluated: 2022-03-17. Review status: criteria provided, single submitter. Criteria: Ambry Variant Classification Scheme 2023. Collection method: clinical testing. Allele origin: germline.